The following is an entry in ClinVar:

ClinVar aggregate classification (germline): Uncertain significance. Review status: criteria provided, multiple submitters, no conflicts (2 of 4 stars). 3 submissions from 3 submitters: Uncertain significance (3). Last evaluated 2025-12-13.

Conditions:
EAST syndrome (SESAMES). Also called: SEIZURES, SENSORINEURAL DEAFNESS, ATAXIA, IMPAIRED INTELLECTUAL DEVELOPMENT, AND ELECTROLYTE IMBALANCE. Identifiers: Orphanet 199343, MedGen C2748572, MONDO:0013005, OMIM 612780.
Inborn genetic diseases. Identifiers: MedGen C0950123, MeSH D030342.

Allele frequency attached by ClinVar (database versions not stated): ExAC 0.00001; gnomAD 0.00001; gnomAD exomes 0.00001 and 0.00002; TOPMed 0.00002.
gnomAD v4.1: 21 of 1,613,984 alleles (0.0013%); highest among the groups gnomAD compares: East Asian, 0.0045%; no homozygotes.

Submissions (3):

Labcorp Genetics (formerly Invitae), Labcorp
Classification: Uncertain significance for EAST syndrome. Last evaluated: 2025-12-13. Review status: criteria provided, single submitter. Criteria: Invitae Variant Classification Sherloc (09022015). Collection method: clinical testing. Allele origin: germline.
Comment: This sequence change replaces arginine, which is basic and polar, with cysteine, which is neutral and slightly polar, at codon 343 of the KCNJ10 protein (p.Arg343Cys). This variant is present in population databases (rs753333164, gnomAD 0.006%). This variant has not been reported in the literature in individuals affected with KCNJ10-related conditions. ClinVar contains an entry for this variant (Variation ID: 1055010). Invitae Evidence Modeling of protein sequence and biophysical properties (such as structural, functional, and spatial information, amino acid conservation, physicochemical variation, residue mobility, and thermodynamic stability) indicates that this missense variant is not expected to disrupt KCNJ10 protein function with a negative predictive value of 95%. In summary, the available evidence is currently insufficient to determine the role of this variant in disease. Therefore, it has been classified as a Variant of Uncertain Significance.

Ambry Genetics
Classification: Uncertain significance for Inborn genetic diseases. Last evaluated: 2025-11-19. Review status: criteria provided, single submitter. Criteria: Ambry Variant Classification Scheme 2023. Collection method: clinical testing. Allele origin: germline.
Comment: The c.1027C>T (p.R343C) alteration is located in exon 2 (coding exon 1) of the KCNJ10 gene. This alteration results from a C to T substitution at nucleotide position 1027, causing the arginine (R) at amino acid position 343 to be replaced by a cysteine (C). Based on data from gnomAD, the T allele has an overall frequency of 0.003% (7/282790) total alleles studied. The highest observed frequency was 0.006% (2/35426) of Latino alleles. Based on insufficient or conflicting evidence, the clinical significance of this alteration remains unclear.

GeneDx
Classification: Uncertain significance. Last evaluated: 2019-08-02. Review status: criteria provided, single submitter. Criteria: GeneDx Variant Classification Process June 2021. Collection method: clinical testing. Allele origin: germline. Affected: yes.
Comment: Not observed at a significant frequency in large population cohorts (Lek et al., 2016); In silico analysis, which includes protein predictors and evolutionary conservation, supports that this variant does not alter protein structure/function; Has not been previously published as pathogenic or benign to our knowledge

NM_002241.5(KCNJ10):c.1027C>T (p.Arg343Cys)

Gene: KCNJ10 (potassium inwardly rectifying channel subfamily J member 10; minus strand). Cytogenetic location: 1q23.2.
Variant type: single nucleotide variant.
Coding change: c.1027C>T on transcript NM_002241.5 (MANE Select); coding-DNA position 1027, C replaced by T.
Protein change: p.Arg343Cys; replaces arginine 343 with cysteine.
Molecular consequence: missense variant.
Genome position (GRCh38, 1-based): chr1:160,041,506, G>A on the plus strand (C>T on the coding strand, the complement: KCNJ10 is on the minus strand). VCF-style: chr1-160041506-G-A. GRCh37 (hg19) VCF-style: chr1-160011296-G-A.
Other names: short protein forms R343C.
Identifiers: ClinVar variation 1055010 (VCV001055010.12), dbSNP rs753333164, ClinGen allele CA1193176.
Genomic context (GRCh38, chr1:160,041,506, plus strand): 5'-CCCTTAATGACTCCTCCAACTTGAGCTTTTCAGGGTCTCCGTAGCGTACAGTGCTGTCAC[G>A]GAGGCCACTAGGAGAGGCCACTTTCACAACTTGGTCAAAAAGGCTAAAGTCAGCTATGTA-3'
Protein context (NP_002232.2, residues 333-353): VVKVASPSGL[Arg343Cys]DSTVRYGDPE